The following is an entry in ClinVar:

ClinVar aggregate classification (germline): Uncertain significance (1 of 4 stars; one submission).

Conditions:
Pyridoxine-dependent epilepsy (EPEO4). Also called: PYRIDOXINE DEPENDENCY WITH SEIZURES; Pyridoxine-Dependent Epilepsy - ALDH7A1; EPILEPSY, EARLY-ONSET, 4, VITAMIN B6-DEPENDENT; Pyridoxine-Dependent Seizures. Identifiers: Orphanet 3006, MedGen C1849508, MONDO:0009945, OMIM 266100. Disease mechanism: loss of function.

Submission:

Labcorp Genetics (formerly Invitae), Labcorp
Classification: Uncertain significance for Pyridoxine-dependent epilepsy. Last evaluated: 2025-06-09. Review status: criteria provided, single submitter. Criteria: Invitae Variant Classification Sherloc (09022015). Collection method: clinical testing. Allele origin: germline.
Comment: This sequence change replaces glycine, which is neutral and non-polar, with arginine, which is basic and polar, at codon 504 of the ALDH7A1 protein (p.Gly504Arg). This variant is not present in population databases (gnomAD no frequency). This variant has not been reported in the literature in individuals affected with ALDH7A1-related conditions. ClinVar contains an entry for this variant (Variation ID: 1011569). Invitae Evidence Modeling of protein sequence and biophysical properties (such as structural, functional, and spatial information, amino acid conservation, physicochemical variation, residue mobility, and thermodynamic stability) indicates that this missense variant is expected to disrupt ALDH7A1 protein function with a positive predictive value of 95%. In summary, the available evidence is currently insufficient to determine the role of this variant in disease. Therefore, it has been classified as a Variant of Uncertain Significance.

NM_001182.5(ALDH7A1):c.1510G>C (p.Gly504Arg)

Gene: ALDH7A1 (aldehyde dehydrogenase 7 family member A1; minus strand). Cytogenetic location: 5q23.2.
Variant type: single nucleotide variant.
Coding change: c.1510G>C on transcript NM_001182.5 (MANE Select); coding-DNA position 1510, G replaced by C.
Protein change: p.Gly504Arg; replaces glycine 504 with arginine.
Molecular consequence: missense variant.
Genome position (GRCh38, 1-based): chr5:126,546,379, C>G on the plus strand (G>C on the coding strand, the complement: ALDH7A1 is on the minus strand). VCF-style: chr5-126546379-C-G. GRCh37 (hg19) VCF-style: chr5-125882071-C-G.
Other names: c.1426G>C, p.Gly476Arg (NM_001201377.2); c.1318G>C, p.Gly440Arg (NM_001202404.2); short protein forms G440R, G476R, G504R.
Identifiers: ClinVar variation 1011569 (VCV001011569.7), dbSNP rs1434175322, ClinGen allele CA360719387.